The following is an entry in ClinVar:

ClinVar aggregate classification (germline): Pathogenic (1 of 4 stars; one submission).

Conditions:
Sphingolipid activator protein 1 deficiency. Also called: Metachromatic leukodystrophy due to saposin B deficiency; Saposin B Deficiency; METACHROMATIC LEUKODYSTROPHY DUE TO CEREBROSIDE SULFATASE ACTIVATOR DEFICIENCY. Identifiers: Orphanet 512, MedGen C0268262, MONDO:0009590, OMIM 249900.

Submission:

Labcorp Genetics (formerly Invitae), Labcorp
Classification: Pathogenic for Sphingolipid activator protein 1 deficiency. Last evaluated: 2024-02-22. Review status: criteria provided, single submitter. Criteria: Invitae Variant Classification Sherloc (09022015). Collection method: clinical testing. Allele origin: germline.
Comment: This sequence change creates a premature translational stop signal (p.Gln402*) in the PSAP gene. It is expected to result in an absent or disrupted protein product. Loss-of-function variants in PSAP are known to be pathogenic (PMID: 8554069, 11309366, 17616409, 19267410, 30632081). This variant is not present in population databases (gnomAD no frequency). This variant has not been reported in the literature in individuals affected with PSAP-related conditions. ClinVar contains an entry for this variant (Variation ID: 1455762). Algorithms developed to predict the effect of sequence changes on RNA splicing suggest that this variant may create or strengthen a splice site. For these reasons, this variant has been classified as Pathogenic.

Literature cited by the submitters: PubMed 8554069; PubMed 11309366; PubMed 17616409; PubMed 19267410; PubMed 30632081.

NM_002778.4(PSAP):c.1204C>T (p.Gln402Ter)

Gene: PSAP (prosaposin; minus strand). Cytogenetic location: 10q22.1.
Variant type: single nucleotide variant.
Coding change: c.1204C>T on transcript NM_002778.4 (MANE Select); coding-DNA position 1204, C replaced by T.
Protein change: p.Gln402Ter; replaces glutamine 402 with a stop codon.
Molecular consequence: nonsense.
Genome position (GRCh38, 1-based): chr10:71,819,611, G>A on the plus strand (C>T on the coding strand, the complement: PSAP is on the minus strand). VCF-style: chr10-71819611-G-A. GRCh37 (hg19) VCF-style: chr10-73579368-G-A.
Other names: c.1213C>T, p.Gln405Ter (NM_001042465.3); c.1210C>T, p.Gln404Ter (NM_001042466.3); short protein forms Q405*, Q404*, Q402*.
Identifiers: ClinVar variation 1455762 (VCV001455762.6), dbSNP rs2133031097, ClinGen allele CA377143806.